The following is an entry in ClinVar:

ClinVar aggregate classification (germline): Uncertain significance (1 of 4 stars; one submission).

Allele frequency attached by ClinVar (database versions not stated): TOPMed below 0.00001; ESP Exome Variant Server 0.00008.

Submission:

Labcorp Genetics (formerly Invitae), Labcorp
Classification: Uncertain significance. Last evaluated: 2022-11-23. Review status: criteria provided, single submitter. Criteria: Invitae Variant Classification Sherloc (09022015). Collection method: clinical testing. Allele origin: germline.
Comment: This variant has not been reported in the literature in individuals affected with RP1-related conditions. This variant is not present in population databases (gnomAD no frequency). This sequence change replaces threonine, which is neutral and polar, with isoleucine, which is neutral and non-polar, at codon 569 of the RP1 protein (p.Thr569Ile). ClinVar contains an entry for this variant (Variation ID: 1486565). In summary, the available evidence is currently insufficient to determine the role of this variant in disease. Therefore, it has been classified as a Variant of Uncertain Significance. Algorithms developed to predict the effect of missense changes on protein structure and function output the following: SIFT: "Tolerated"; PolyPhen-2: "Benign"; Align-GVGD: "Class C0". The isoleucine amino acid residue is found in multiple mammalian species, which suggests that this missense change does not adversely affect protein function.

NM_006269.2(RP1):c.1706C>T (p.Thr569Ile)

Gene: RP1 (RP1 axonemal microtubule associated; plus strand). Cytogenetic location: 8q12.1.
Variant type: single nucleotide variant.
Coding change: c.1706C>T on transcript NM_006269.2 (MANE Select); coding-DNA position 1706, C replaced by T.
Protein change: p.Thr569Ile; replaces threonine 569 with isoleucine.
Molecular consequence: missense variant. On other transcripts: intron variant (1).
Genome position (GRCh38, 1-based): chr8:54,625,588, C>T. VCF-style: chr8-54625588-C-T. GRCh37 (hg19) VCF-style: chr8-55538148-C-T.
Other names: c.787+3300C>T (NM_001375654.1); short protein forms T569I.
Identifiers: ClinVar variation 1486565 (VCV001486565.8), dbSNP rs139471370, ClinGen allele CA177236840.
Genomic context (GRCh38, chr8:54,625,588, plus strand): 5'-TTATAGAAATTACAAGTCAGAAGATGTTAGAGATGTCACATAATAATGGTTTGCCATCAA[C>T]TATATCAAATAACTCAATTGTGGAGGAAGATGTAGTTGATTGTGTGGTATTGGACAACAA-3'
Protein context (NP_006260.1, residues 559-579): EMSHNNGLPS[Thr569Ile]ISNNSIVEED